The following is an entry in ClinVar:

NM_022124.6(CDH23):c.4341T>C (p.Asp1447=)

Gene: CDH23 (cadherin related 23; plus strand). Cytogenetic location: 10q22.1.
Variant type: single nucleotide variant.
Coding change: c.4341T>C on transcript NM_022124.6 (MANE Select); coding-DNA position 4341, T replaced by C.
Protein change: p.Asp1447=; no amino-acid change (aspartic acid 1447 retained).
Molecular consequence: synonymous variant.
Genome position (GRCh38, 1-based): chr10:71,738,629, T>C. VCF-style: chr10-71738629-T-C. GRCh37 (hg19) VCF-style: chr10-73498386-T-C.
Other names: p.D1447D:GAT>GAC; p.Asp1447=.
Identifiers: ClinVar variation 45945 (VCV000045945.34), dbSNP rs12218564, ClinGen allele CA137426.

ClinVar aggregate classification (germline): Benign. Review status: criteria provided, multiple submitters, no conflicts (2 of 4 stars). 12 submissions from 11 submitters: Benign (11). 1 of the submissions does not count toward it. Last evaluated 2026-06-19.

Conditions:
Usher syndrome type 1 (USH1). Also called: RETINITIS PIGMENTOSA AND CONGENITAL DEAFNESS. Identifiers: Orphanet 231169, Orphanet 886, MedGen C1568247, MONDO:0010168, OMIM 276900.
Autosomal recessive nonsyndromic hearing loss 12. Also called: DEAFNESS, AUTOSOMAL RECESSIVE 12. Identifiers: Orphanet 90636, MedGen C1832394, MONDO:0011067, OMIM 601386.
Usher syndrome type 1D (USH1D). Also called: USHER SYNDROME, TYPE ID. Identifiers: Orphanet 231169, Orphanet 886, MedGen C1832845, MONDO:0010984, OMIM 601067.

Allele frequency attached by ClinVar (database versions not stated): gnomAD 0.01680 and 0.01509; TOPMed 0.02616; ExAC 0.03054; gnomAD exomes 0.03744; ESP Exome Variant Server 0.00135; 1000 Genomes Project 30x 0.04247; 1000 Genomes Project 0.04333.
gnomAD v4.1: 17,143 of 1,613,346 alleles (1.1%); highest among the groups gnomAD compares: Admixed American, 15%; 1,267 homozygotes.

Submissions (12):

Women's Health and Genetics/Laboratory Corporation of America, LabCorp
Classification: Benign. Last evaluated: 2026-06-19. Review status: criteria provided, single submitter. Criteria: LabCorp Variant Classification Summary - May 2015. Collection method: clinical testing. Allele origin: germline.

Labcorp Genetics (formerly Invitae), Labcorp
Classification: Benign. Last evaluated: 2026-02-04. Review status: criteria provided, single submitter. Criteria: Invitae Variant Classification Sherloc (09022015). Collection method: clinical testing. Allele origin: germline.

ARUP Laboratories, Molecular Genetics and Genomics, ARUP Laboratories
Classification: Benign. Last evaluated: 2023-11-08. Review status: criteria provided, single submitter. Criteria: ARUP Molecular Germline Variant Investigation Process 2024. Collection method: clinical testing. Allele origin: germline.

Mayo Clinic Laboratories, Mayo Clinic
Classification: Benign. Last evaluated: 2021-12-10. Review status: criteria provided, single submitter. Criteria: ACMG Guidelines, 2015. Collection method: clinical testing. Allele origin: germline. Observed: 10 variant alleles.

Athena Diagnostics
Classification: Benign. Last evaluated: 2018-07-31. Review status: criteria provided, single submitter. Criteria: Athena Diagnostics Criteria. Collection method: clinical testing. Allele origin: germline.

Illumina Laboratory Services, Illumina
Classification: Benign for Usher syndrome type 1D. Last evaluated: 2018-01-13. Review status: criteria provided, single submitter. Criteria: ICSL Variant Classification Criteria 13 December 2019. Collection method: clinical testing. Allele origin: germline.
Comment: This variant was observed in the ICSL laboratory as part of a predisposition screen in an ostensibly healthy population. It had not been previously curated by ICSL or reported in the Human Gene Mutation Database (HGMD: prior to June 1st, 2018), and was therefore a candidate for classification through an automated scoring system. Utilizing variant allele frequency, disease prevalence and penetrance estimates, and inheritance mode, an automated score was calculated to assess if this variant is too frequent to cause the disease. Based on the score and internal cut-off values, a variant classified as benign is not then subjected to further curation. The score for this variant resulted in a classification of benign for this disease.

Illumina Laboratory Services, Illumina
Classification: Benign for Autosomal recessive nonsyndromic hearing loss 12. Last evaluated: 2018-01-13. Review status: criteria provided, single submitter. Criteria: ICSL Variant Classification Criteria 13 December 2019. Collection method: clinical testing. Allele origin: germline.
Comment: the same text as in the submission from Illumina Laboratory Services, Illumina above.

Eurofins Ntd Llc (ga)
Classification: Benign. Last evaluated: 2013-10-08. Review status: criteria provided, single submitter. Criteria: EGL Classification Definitions 2015. Collection method: clinical testing. Allele origin: germline. Observed: 1 variant allele, 1 heterozygote.

GeneDx
Classification: Benign. Last evaluated: 2013-03-05. Review status: criteria provided, single submitter. Criteria: GeneDx Variant Classification (06012015). Collection method: clinical testing. Allele origin: germline. Affected: yes.
Comment: This variant is considered likely benign or benign based on one or more of the following criteria: it is a conservative change, it occurs at a poorly conserved position in the protein, it is predicted to be benign by multiple in silico algorithms, and/or has population frequency not consistent with disease.

Laboratory for Molecular Medicine, Mass General Brigham Personalized Medicine
Classification: Benign. Last evaluated: 2009-06-12. Review status: criteria provided, single submitter. Criteria: LMM Criteria. Collection method: clinical testing. Allele origin: germline. Observed: 109 variant alleles.

Breakthrough Genomics
Classification: Benign. Review status: criteria provided, single submitter. Criteria: ACMG Guidelines, 2015. Collection method: not provided. Allele origin: germline. Inheritance: Autosomal recessive inheritance. Affected: yes.

Natera, Inc.
Classification: Benign for Usher syndrome type 1. Last evaluated: 2020-09-16. Review status: no assertion criteria provided. Collection method: clinical testing. Allele origin: germline. Not counted in ClinVar's aggregate classification.

Literature cited by the submitters: PubMed 18429043 (cited by Laboratory for Molecular Medicine, Mass General Brigham Personalized Medicine); PubMed 17850630 (cited by Laboratory for Molecular Medicine, Mass General Brigham Personalized Medicine); PubMed 12075507 (cited by Laboratory for Molecular Medicine, Mass General Brigham Personalized Medicine).